The following is an entry in ClinVar:

NM_001111125.3(IQSEC2):c.2698G>A (p.Val900Ile)

Gene: IQSEC2 (IQ motif and Sec7 domain ArfGEF 2; minus strand). Cytogenetic location: Xp11.22.
Variant type: single nucleotide variant.
Coding change: c.2698G>A on transcript NM_001111125.3 (MANE Select); coding-DNA position 2698, G replaced by A.
Protein change: p.Val900Ile; replaces valine 900 with isoleucine.
Molecular consequence: missense variant.
Genome position (GRCh38, 1-based): chrX:53,247,020, C>T on the plus strand (G>A on the coding strand, the complement: IQSEC2 is on the minus strand). VCF-style: chrX-53247020-C-T. GRCh37 (hg19) VCF-style: chrX-53276202-C-T.
Other names: c.2083G>A, p.Val695Ile (NM_015075.2); short protein forms V900I, V695I.
Identifiers: ClinVar variation 624419 (VCV000624419.50), dbSNP rs1461166570, ClinGen allele CA413155562.
Genomic context (GRCh38, chrX:53,247,020, plus strand): 5'-GGAAGTCACCTCTCAGGTTCTTGATGAAGTCATCTAGTTTCATCTTTCGTTCAGCTTTGA[C>T]GCTGGGACTGTACATGTCGGTATTGAGGAGGATGATGGCAAAAGCAAGGATGAAGATGGT-3'
Protein context (NP_001104595.1, residues 890-910): LLNTDMYSPS[Val900Ile]KAERKMKLDD

ClinVar aggregate classification (germline): Conflicting classifications of pathogenicity. Review status: criteria provided, conflicting classifications (1 of 4 stars). 4 submissions from 4 submitters: Uncertain significance (2); Benign (1); Likely benign (1). Last evaluated 2024-12-19.

Conditions:
Intellectual developmental disorder, X-linked 1. Also called: MENTAL RETARDATION, X-LINKED 18; MENTAL RETARDATION, X-LINKED 78; Atkin Flaitz Patil Smith syndrome; Intellectual disability, X-linked 1. Identifiers: Orphanet 777, MedGen C2931498, MONDO:0010656, OMIM 309530.

Allele frequency attached by ClinVar (database versions not stated): TOPMed 0.00002; gnomAD exomes below 0.00001; gnomAD 0.00002.
gnomAD v4.1: 8 of 1,208,734 alleles (0.00066%); highest among the groups gnomAD compares: South Asian, 0.0035%; no homozygotes.

Submissions (4):

Genomic Medicine Center of Excellence, King Faisal Specialist Hospital and Research Centre
Classification: Uncertain significance for Intellectual developmental disorder, X-linked 1. Last evaluated: 2024-12-19. Review status: criteria provided, single submitter. Criteria: ACMG Guidelines, 2015. Collection method: clinical testing. Allele origin: germline.

Labcorp Genetics (formerly Invitae), Labcorp
Classification: Benign for Intellectual developmental disorder, X-linked 1. Last evaluated: 2024-09-05. Review status: criteria provided, single submitter. Criteria: Invitae Variant Classification Sherloc (09022015). Collection method: clinical testing. Allele origin: germline.

Victorian Clinical Genetics Services, Murdoch Childrens Research Institute
Classification: Likely benign for Intellectual developmental disorder, X-linked 1. Last evaluated: 2021-05-06. Review status: criteria provided, single submitter. Criteria: ACMG Guidelines, 2015. Collection method: clinical testing. Allele origin: germline. Inheritance: Autosomal dominant inheritance. Affected: yes.
Comment: Based on the classification scheme VCGS_Germline_v1.3.4, this variant is classified as Likely benign. Following criteria are met: 0103 - Loss of function and gain of function are known mechanisms of disease in this gene and are associated with IQSEC2-related intellectual disability. Missense variants have been demonstrated to result in both mechanisms of disease, while truncating variants predicted to undergo nonsense-mediated decay have a loss of function mechanism (PMID: 30842726, PMID: 20473311). (I) 0110 - This gene is associated with X-linked dominant disease. Carrier females may be asymptomatic or affected (PMID: 31415821). (I) 0200 - Variant is predicted to result in a missense amino acid change from valine to isoleucine. (I) 0253 - This variant is hemizygous. (I) 0302 - Variant is present in gnomAD (v3) <0.001 for a dominant condition (1 heterozygote, 0 homozygotes, 1 hemizygote). (SB) 0502 - Missense variant with conflicting in silico predictions and uninformative conservation. (I) 0603 - Missense variant in a region that is highly intolerant to missense variation (high constraint region in DECIPHER). (SP) 0705 - No comparable missense variants have previous evidence for pathogenicity. (I) 0809 - Previous evidence of pathogenicity for this variant is inconclusive. This variant has been previously reported as a VUS (ClinVar). (I) 0904 - Non-segregation of this variant with the phenotype under investigation has been clearly demonstrated. (SB) 1007 - No published functional evidence has been identified for this variant. (I) Legend: (SP) - Supporting pathogenic, (I) - Information, (SB) - Supporting benign

CeGaT Center for Human Genetics Tuebingen
Classification: Uncertain significance. Last evaluated: 2018-04-01. Review status: criteria provided, single submitter. Criteria: CeGaT Center For Human Genetics Tuebingen Variant Classification Criteria Version 2. Collection method: clinical testing. Allele origin: germline. Affected: yes. Observed: 1 variant allele.

Literature cited by the submitters: PubMed 20473311 (cited by Victorian Clinical Genetics Services, Murdoch Childrens Research Institute); PubMed 30842726 (cited by Victorian Clinical Genetics Services, Murdoch Childrens Research Institute); PubMed 31415821 (cited by Victorian Clinical Genetics Services, Murdoch Childrens Research Institute).